The following is an entry in ClinVar:

NM_015909.4(NBAS):c.4300G>A (p.Asp1434Asn)

Gene: NBAS (NBAS subunit of NRZ tethering complex; minus strand). Cytogenetic location: 2p24.3.
Variant type: single nucleotide variant.
Coding change: c.4300G>A on transcript NM_015909.4 (MANE Select); coding-DNA position 4300, G replaced by A.
Protein change: p.Asp1434Asn; replaces aspartic acid 1434 with asparagine.
Molecular consequence: missense variant. On other transcripts: non-coding transcript variant (1).
Genome position (GRCh38, 1-based): chr2:15,330,645, C>T on the plus strand (G>A on the coding strand, the complement: NBAS is on the minus strand). VCF-style: chr2-15330645-C-T. GRCh37 (hg19) VCF-style: chr2-15470769-C-T.
Other names: c.4300G>A (NM_015909.2); short protein forms D1434N.
Identifiers: ClinVar variation 1284517 (VCV001284517.10), dbSNP rs750091340, ClinGen allele CA42609998.
Genomic context (GRCh38, chr2:15,330,645, plus strand): 5'-ATGCACTGCTTACCTGAAGGGGTCGAAGGTAAGTTAAAGACTTCTTCCACCACTGCCCAT[C>T]ACTGACGGCCTGCAGCACCGCTTTGGTGGTGGTTGTGGTGTTGGAAAGGACTTTCATGGT-3'
Protein context (NP_056993.2, residues 1424-1444): TTKAVLQAVS[Asp1434Asn]GQWWKKSLTY

ClinVar aggregate classification (germline): Uncertain significance. Review status: criteria provided, multiple submitters, no conflicts (2 of 4 stars). 5 submissions from 5 submitters: Uncertain significance (3). 2 of the submissions do not count toward it. Last evaluated 2025-08-20.

Conditions:
Infantile liver failure syndrome 2 (ILFS2). Identifiers: MedGen C3809651, MONDO:0014659, OMIM 616483.
Short stature-optic atrophy-Pelger-Huët anomaly syndrome. Also called: Short stature, optic nerve atrophy, and Pelger-Huet anomaly; Short stature-optic atrophy-Pelger-HuC+t anomaly syndrome. Identifiers: Orphanet 391677, MedGen C3541319, MONDO:0013889, OMIM 614800.
Inborn genetic diseases. Identifiers: MedGen C0950123, MeSH D030342.

Allele frequency attached by ClinVar (database versions not stated): gnomAD exomes below 0.00001; TOPMed below 0.00001.
gnomAD v4.1: 3 of 1,614,058 alleles (0.00019%); highest among the groups gnomAD compares: Middle Eastern, 0.017%; no homozygotes.

Submissions (5):

Ambry Genetics
Classification: Uncertain significance for Inborn genetic diseases. Last evaluated: 2025-08-20. Review status: criteria provided, single submitter. Criteria: Ambry Variant Classification Scheme 2023. Collection method: clinical testing. Allele origin: germline.

Labcorp Genetics (formerly Invitae), Labcorp
Classification: Uncertain significance. Last evaluated: 2024-12-05. Review status: criteria provided, single submitter. Criteria: Invitae Variant Classification Sherloc (09022015). Collection method: clinical testing. Allele origin: germline.
Comment: This sequence change replaces aspartic acid, which is acidic and polar, with asparagine, which is neutral and polar, at codon 1434 of the NBAS protein (p.Asp1434Asn). This variant is present in population databases (rs750091340, gnomAD 0.0009%). This variant has not been reported in the literature in individuals affected with NBAS-related conditions. ClinVar contains an entry for this variant (Variation ID: 1284517). Invitae Evidence Modeling of protein sequence and biophysical properties (such as structural, functional, and spatial information, amino acid conservation, physicochemical variation, residue mobility, and thermodynamic stability) indicates that this missense variant is not expected to disrupt NBAS protein function with a negative predictive value of 95%. In summary, the available evidence is currently insufficient to determine the role of this variant in disease. Therefore, it has been classified as a Variant of Uncertain Significance.

Fulgent Genetics
Classification: Uncertain significance for Short stature-optic atrophy-Pelger-Huët anomaly syndrome; Infantile liver failure syndrome 2. Last evaluated: 2022-03-28. Review status: criteria provided, single submitter. Criteria: ACMG Guidelines, 2015. Collection method: clinical testing. Allele origin: unknown.

Clinical Genetics, Academic Medical Center
Classification: Uncertain significance. Review status: no assertion criteria provided. Collection method: clinical testing. Allele origin: germline. Affected: yes. Study: VKGL Data-share Consensus. Not counted in ClinVar's aggregate classification.

Joint Genome Diagnostic Labs from Nijmegen and Maastricht, Radboudumc and MUMC+
Classification: Uncertain significance. Review status: no assertion criteria provided. Collection method: clinical testing. Allele origin: germline. Affected: yes. Study: VKGL Data-share Consensus. Not counted in ClinVar's aggregate classification.